The following is an entry in ClinVar:

ClinVar aggregate classification (germline): Pathogenic/Likely pathogenic. Review status: criteria provided, multiple submitters, no conflicts (2 of 4 stars). 5 submissions from 5 submitters: Pathogenic (1); Likely pathogenic (2). 2 of the submissions do not count toward it. Last evaluated 2026-02-02.

Conditions:
Retinal dystrophy. Also called: Inherited retinal dystrophy. Identifiers: Orphanet 71862, MedGen C0854723, MeSH D058499, MONDO:0019118, HP:0000556.
Retinitis pigmentosa (RP). Identifiers: Orphanet 791, MedGen C0035334, MeSH D012174, MONDO:0019200, OMIM 268000. Inheritance: Autosomal dominant, autosomal recessive and X linked inheritance.
Retinitis pigmentosa 36 (RP36). Identifiers: Orphanet 791, MedGen C1864621, MONDO:0012523, OMIM 610599.

Allele frequency attached by ClinVar (database versions not stated): gnomAD exomes below 0.00001 and 0.00001; TOPMed 0.00002.
gnomAD v4.1: 15 of 1,602,530 alleles (0.00094%); highest among the groups gnomAD compares: East Asian, 0.025%; no homozygotes.

Submissions (5):

Labcorp Genetics (formerly Invitae), Labcorp
Classification: Pathogenic. Last evaluated: 2026-02-02. Review status: criteria provided, single submitter. Criteria: Invitae Variant Classification Sherloc (09022015). Collection method: clinical testing. Allele origin: germline.
Comment: This sequence change affects the initiator codon of the PRCD mRNA. This change may impact translation initiation or efficiency. The next in-frame methionine is located at codon 13. This variant is present in population databases (rs527236092, gnomAD 0.006%). Disruption of the initiator codon has been observed in individuals with retinitis pigmentosa (PMID: 23661369, 29785639). It has also been observed to segregate with disease in related individuals. ClinVar contains an entry for this variant (Variation ID: 143095). This variant disrupts a region of the PRCD protein in which other variant(s) (p.Cys2Tyr) have been observed in individuals with PRCD-related conditions (PMID: 16938425). This suggests that this is a clinically significant region of the protein, and that variants that disrupt it are likely to be disease-causing. For these reasons, this variant has been classified as Pathogenic.

Fulgent Genetics
Classification: Likely pathogenic for Retinitis pigmentosa 36. Last evaluated: 2024-04-03. Review status: criteria provided, single submitter. Criteria: ACMG Guidelines, 2015. Collection method: clinical testing. Allele origin: germline.

Dept Of Ophthalmology, Nagoya University
Classification: Likely pathogenic for Retinal dystrophy. Last evaluated: 2023-10-01. Review status: criteria provided, single submitter. Criteria: Submitter's publication. Collection method: research. Allele origin: germline. Affected: yes.

Joint Genome Diagnostic Labs from Nijmegen and Maastricht, Radboudumc and MUMC+
Classification: Uncertain significance for Retinitis pigmentosa 36. Last evaluated: 2016-09-01. Review status: no assertion criteria provided. Collection method: clinical testing. Allele origin: unknown. Affected: yes. Observed: 1 variant allele. Not counted in ClinVar's aggregate classification.

Department of Ophthalmology and Visual Sciences Kyoto University
Classification: Pathogenic for Retinitis pigmentosa. Review status: no assertion criteria provided. Collection method: not provided. Allele origin: unknown. Not counted in ClinVar's aggregate classification.
ClinVar note: Converted during submission from pathogenic to Pathogenic.

Literature cited by the submitters: PubMed 23661369 (cited by Labcorp Genetics (formerly Invitae), Labcorp); PubMed 29785639 (cited by Labcorp Genetics (formerly Invitae), Labcorp); PubMed 16938425 (cited by Labcorp Genetics (formerly Invitae), Labcorp).

NM_001077620.3(PRCD):c.2T>C (p.Met1Thr)

Genes: CYGB (cytoglobin; minus strand), PRCD (photoreceptor disc component; plus strand). Cytogenetic location: 17q25.1.
Variant type: single nucleotide variant.
Coding change: c.2T>C on transcript NM_001077620.3 (MANE Select); coding-DNA position 2, T replaced by C.
Protein change: p.Met1Thr; changes the start codon (methionine 1).
Molecular consequence: missense variant, initiator codon variant.
Genome position (GRCh38, 1-based): chr17:76,540,143, T>C. VCF-style: chr17-76540143-T-C. GRCh37 (hg19) VCF-style: chr17-74536225-T-C.
Other names: short protein forms M1T.
Identifiers: ClinVar variation 143095 (VCV000143095.13), dbSNP rs527236092, ClinGen allele CA270040.
Genomic context (GRCh38, chr17:76,540,143, plus strand): 5'-GGCCCCTCGCCTGTGGCCTTCTGCAGACTTGGCCTGGGAGGGGATGGGGCAGCTGCGCCA[T>C]GTGCACCACCCTTTTCCTGCTCAGCACCCTGGCCATGCTCTGGCGCCGCCGATTTGCCAA-3'
Protein context (NP_001071088.1, residues 1-11): [Met1Thr]CTTLFLLSTL